The following is an entry in ClinVar:

NM_001004334.4(GPR179):c.2713C>T (p.Pro905Ser)

Gene: GPR179 (G protein-coupled receptor 179; minus strand). Cytogenetic location: 17q12.
Variant type: single nucleotide variant.
Coding change: c.2713C>T on transcript NM_001004334.4 (MANE Select); coding-DNA position 2713, C replaced by T.
Protein change: p.Pro905Ser; replaces proline 905 with serine.
Molecular consequence: missense variant.
Genome position (GRCh38, 1-based): chr17:38,330,856, G>A on the plus strand (C>T on the coding strand, the complement: GPR179 is on the minus strand). VCF-style: chr17-38330856-G-A. GRCh37 (hg19) VCF-style: chr17-36486739-G-A.
Other names: short protein forms P905S.
Identifiers: ClinVar variation 1462298 (VCV001462298.7), dbSNP rs369759200, ClinGen allele CA290105610.

ClinVar aggregate classification (germline): Uncertain significance. Review status: criteria provided, multiple submitters, no conflicts (2 of 4 stars). 2 submissions from 2 submitters: Uncertain significance (2). Last evaluated 2024-04-30.

Allele frequency attached by ClinVar (database versions not stated): gnomAD 0.00002; gnomAD exomes 0.00002; ExAC 0.00003; ESP Exome Variant Server 0.00008.
gnomAD v4.1: 17 of 1,602,084 alleles (0.0011%); highest among the groups gnomAD compares: Non-Finnish European, 0.0014%; no homozygotes.

Submissions (2):

Blueprint Genetics
Classification: Uncertain significance. Last evaluated: 2024-04-30. Review status: criteria provided, single submitter. Criteria: ACMG Guidelines, 2015. Collection method: clinical testing. Allele origin: germline.

Labcorp Genetics (formerly Invitae), Labcorp
Classification: Uncertain significance. Last evaluated: 2023-11-20. Review status: criteria provided, single submitter. Criteria: Invitae Variant Classification Sherloc (09022015). Collection method: clinical testing. Allele origin: germline.
Comment: This sequence change replaces proline, which is neutral and non-polar, with serine, which is neutral and polar, at codon 905 of the GPR179 protein (p.Pro905Ser). This variant is present in population databases (rs369759200, gnomAD 0.004%). This variant has not been reported in the literature in individuals affected with GPR179-related conditions. ClinVar contains an entry for this variant (Variation ID: 1462298). An algorithm developed to predict the effect of missense changes on protein structure and function (PolyPhen-2) suggests that this variant is likely to be disruptive. In summary, the available evidence is currently insufficient to determine the role of this variant in disease. Therefore, it has been classified as a Variant of Uncertain Significance.